The following is an entry in ClinVar:

NM_005732.4(RAD50):c.511G>A (p.Ala171Thr)

Gene: RAD50 (RAD50 double strand break repair protein; plus strand). Cytogenetic location: 5q31.1.
Variant type: single nucleotide variant.
Coding change: c.511G>A on transcript NM_005732.4 (MANE Select); coding-DNA position 511, G replaced by A.
Protein change: p.Ala171Thr; replaces alanine 171 with threonine.
Molecular consequence: missense variant.
Genome position (GRCh38, 1-based): chr5:132,579,462, G>A. VCF-style: chr5-132579462-G-A. GRCh37 (hg19) VCF-style: chr5-131915154-G-A.
Other names: short protein forms A171T.
Identifiers: ClinVar variation 970175 (VCV000970175.11), dbSNP rs143483210, ClinGen allele CA360934777.
Genomic context (GRCh38, chr5:132,579,462, plus strand): 5'-CTAAATAATGTCATTTTCTGTCATCAAGAAGATTCTAATTGGCCTTTAAGTGAAGGAAAG[G>A]CTTTGAAGCAAAAGTTTGATGAGATTTTTTCAGCAACAAGGTTTGTAACCCTTAAATAGA-3'
Protein context (NP_005723.2, residues 161-181): DSNWPLSEGK[Ala171Thr]LKQKFDEIFS

ClinVar aggregate classification (germline): Uncertain significance. Review status: criteria provided, multiple submitters, no conflicts (2 of 4 stars). 2 submissions from 2 submitters: Uncertain significance (2). Last evaluated 2023-12-19.

Conditions:
Hereditary cancer-predisposing syndrome. Also called: Neoplastic Syndromes, Hereditary; Hereditary Cancer Syndrome; Tumor predisposition; Hereditary neoplastic syndrome. Identifiers: Orphanet 140162, MedGen C0027672, MeSH D009386, MONDO:0015356.

Submissions (2):

Ambry Genetics
Classification: Uncertain significance for Hereditary cancer-predisposing syndrome. Last evaluated: 2023-12-19. Review status: criteria provided, single submitter. Criteria: Ambry Variant Classification Scheme 2023. Collection method: clinical testing. Allele origin: germline.
Comment: The p.A171T variant (also known as c.511G>A), located in coding exon 4 of the RAD50 gene, results from a G to A substitution at nucleotide position 511. The alanine at codon 171 is replaced by threonine, an amino acid with similar properties. This amino acid position is conserved. In addition, this alteration is predicted to be tolerated by in silico analysis. Since supporting evidence is limited at this time, the clinical significance of this alteration remains unclear.

Labcorp Genetics (formerly Invitae), Labcorp
Classification: Uncertain significance for Hereditary cancer-predisposing syndrome. Last evaluated: 2019-10-25. Review status: criteria provided, single submitter. Criteria: Invitae Variant Classification Sherloc (09022015). Collection method: clinical testing. Allele origin: germline.
Comment: This variant is not present in population databases (ExAC no frequency). This variant has not been reported in the literature in individuals with RAD50-related conditions. This sequence change replaces alanine with threonine at codon 171 of the RAD50 protein (p.Ala171Thr). The alanine residue is moderately conserved and there is a small physicochemical difference between alanine and threonine. In summary, the available evidence is currently insufficient to determine the role of this variant in disease. Therefore, it has been classified as a Variant of Uncertain Significance. Algorithms developed to predict the effect of missense changes on protein structure and function are either unavailable or do not agree on the potential impact of this missense change (SIFT: "Tolerated"; PolyPhen-2: "Possibly Damaging"; Align-GVGD: "Class C0").